The following is an entry in ClinVar:

ClinVar aggregate classification (germline): Conflicting classifications of pathogenicity. Review status: criteria provided, conflicting classifications (1 of 4 stars). 2 submissions from 2 submitters: Uncertain significance (1); Likely benign (1). Last evaluated 2026-08-10.

Conditions:
Familial thoracic aortic aneurysm and aortic dissection (TAAD). Also called: Thoracic aortic aneurysms and dissections. Identifiers: Orphanet 91387, MedGen C4707243, MONDO:0019625.
Oto-palato-digital syndrome, type II (OPD2). Also called: Otopalatodigital Syndrome, Type II; Otopalatodigital Syndrome Type 2 (FLNA-OPD2); FACIOPALATOOSSEOUS SYNDROME; OPD II SYNDROME. Identifiers: Orphanet 669, Orphanet 90652, MedGen C1844696, MONDO:0010571, OMIM 304120.
Melnick-Needles syndrome (MNS). Also called: Melnick-Needles Syndrome (FLNA-MNS); MELNICK-NEEDLES OSTEODYSPLASTY; OSTEODYSPLASTY OF MELNICK AND NEEDLES. Identifiers: Orphanet 2484, MedGen C0025237, MONDO:0010650, OMIM 309350.
Heterotopia, periventricular, X-linked dominant (PVNH1). Also called: PERIVENTRICULAR NODULAR HETEROTOPIA 1; X-linked periventricular heterotopia; PERIVENTRICULAR NODULAR HETEROTOPIA 4; HETEROTOPIA, PERIVENTRICULAR, 1. Identifiers: Orphanet 2149, Orphanet 82004, MedGen C1848213, MONDO:0010233, OMIM 300049.
Frontometaphyseal dysplasia (FMD1). Identifiers: Orphanet 1826, MedGen C0265293, MONDO:0015942.

Allele frequency attached by ClinVar (database versions not stated): ExAC 0.00001; gnomAD exomes below 0.00001.
gnomAD v4.1: 2 of 1,211,910 alleles (0.00017%); highest among the groups gnomAD compares: Non-Finnish European, 0.00022%; no homozygotes.

Submissions (2):

Ambry Genetics
Classification: Uncertain significance for Familial thoracic aortic aneurysm and aortic dissection. Last evaluated: 2026-08-10. Review status: criteria provided, single submitter. Criteria: Ambry Variant Classification Scheme 2023. Collection method: clinical testing. Allele origin: germline.
Comment: The p.D1701N variant (also known as c.5101G>A), located in coding exon 29 of the FLNA gene, results from a G to A substitution at nucleotide position 5101. The aspartic acid at codon 1701 is replaced by asparagine, an amino acid with highly similar properties. This amino acid position is conserved. In addition, this alteration is predicted to be tolerated by in silico analysis. Based on data from gnomAD, the A allele has an overall frequency of 0.0006% (1/181394) total alleles studied, with 1 hemizygote(s) observed. The highest observed frequency was 0.0012% (1/81180) of European (non-Finnish) alleles. Based on the available evidence, the clinical significance of this variant remains unclear.

Labcorp Genetics (formerly Invitae), Labcorp
Classification: Likely benign for Oto-palato-digital syndrome, type II; Heterotopia, periventricular, X-linked dominant; Frontometaphyseal dysplasia; Melnick-Needles syndrome. Last evaluated: 2025-03-31. Review status: criteria provided, single submitter. Criteria: Invitae Variant Classification Sherloc (09022015). Collection method: clinical testing. Allele origin: germline.

NM_001110556.2(FLNA):c.5125G>A (p.Asp1709Asn)

Gene: FLNA (filamin A; minus strand). Cytogenetic location: Xq28.
Variant type: single nucleotide variant.
Coding change: c.5125G>A on transcript NM_001110556.2 (MANE Select); coding-DNA position 5125, G replaced by A.
Protein change: p.Asp1709Asn; replaces aspartic acid 1709 with asparagine.
Molecular consequence: missense variant.
Genome position (GRCh38, 1-based): chrX:154,354,917, C>T on the plus strand (G>A on the coding strand, the complement: FLNA is on the minus strand). VCF-style: chrX-154354917-C-T. GRCh37 (hg19) VCF-style: chrX-153583285-C-T.
Other names: c.5101G>A, p.Asp1701Asn (NM_001456.4); c.5101G>A (NM_001456.3); short protein forms D1709N, D1701N.
Identifiers: ClinVar variation 2939970 (VCV002939970.4), dbSNP rs782286237, ClinGen allele CA10560385.